The following is an entry in ClinVar:

ClinVar aggregate classification (germline): Uncertain significance (1 of 4 stars; one submission).

Allele frequency attached by ClinVar (database versions not stated): gnomAD exomes 0.00003; TOPMed 0.00003.
gnomAD v4.1: 39 of 1,550,440 alleles (0.0025%); highest among the groups gnomAD compares: Middle Eastern, 0.033%; no homozygotes.

Submission:

GeneDx
Classification: Uncertain significance. Last evaluated: 2022-12-28. Review status: criteria provided, single submitter. Criteria: GeneDx Variant Classification Process June 2021. Collection method: clinical testing. Allele origin: germline. Affected: yes.
Comment: In silico analysis supports that this missense variant does not alter protein structure/function; Has not been previously published as pathogenic or benign to our knowledge

NM_001292063.2(OTOG):c.6406G>A (p.Val2136Ile)

Gene: OTOG (otogelin; plus strand). Cytogenetic location: 11p15.1.
Variant type: single nucleotide variant.
Coding change: c.6406G>A on transcript NM_001292063.2 (MANE Select); coding-DNA position 6406, G replaced by A.
Protein change: p.Val2136Ile; replaces valine 2136 with isoleucine.
Molecular consequence: missense variant.
Genome position (GRCh38, 1-based): chr11:17,612,733, G>A. VCF-style: chr11-17612733-G-A. GRCh37 (hg19) VCF-style: chr11-17634280-G-A.
Other names: c.6442G>A, p.Val2148Ile (NM_001277269.2); short protein forms V2136I, V2148I.
Identifiers: ClinVar variation 2507279 (VCV002507279.1), dbSNP rs1420960073, ClinGen allele CA379804526.